The following is an entry in ClinVar:

NM_182961.4(SYNE1):c.24566T>A (p.Leu8189Gln)

Gene: SYNE1 (spectrin repeat containing nuclear envelope protein 1; minus strand). Cytogenetic location: 6q25.2.
Variant type: single nucleotide variant.
Coding change: c.24566T>A on transcript NM_182961.4 (MANE Select); coding-DNA position 24566, T replaced by A.
Protein change: p.Leu8189Gln; replaces leucine 8189 with glutamine.
Molecular consequence: missense variant.
Genome position (GRCh38, 1-based): chr6:152,149,553, A>T on the plus strand (T>A on the coding strand, the complement: SYNE1 is on the minus strand). VCF-style: chr6-152149553-A-T. GRCh37 (hg19) VCF-style: chr6-152470688-A-T.
Other names: c.1172T>A, p.Leu391Gln (NM_001347701.2); c.1031T>A, p.Leu344Gln (NM_001347702.2); c.24353T>A, p.Leu8118Gln (NM_033071.5); short protein forms L344Q, L391Q, L8118Q, L8189Q.
Identifiers: ClinVar variation 1062761 (VCV001062761.7), dbSNP rs201193141, ClinGen allele CA4053147.

ClinVar aggregate classification (germline): Uncertain significance (1 of 4 stars; one submission).

Conditions:
Emery-Dreifuss muscular dystrophy 4, autosomal dominant (EDMD4). Also called: EMERY-DREIFUSS MUSCULAR DYSTROPHY 4 WITH VARIABLE FEATURES. Identifiers: Orphanet 261, MedGen C2751807, MONDO:0013071, OMIM 612998.
Autosomal recessive ataxia, Beauce type. Also called: Spinocerebellar ataxia, autosomal recessive 8; ATAXIA, RECESSIVE, OF BEAUCE; SYNE1 Deficiency; SYNE1-Related Autosomal Recessive Cerebellar Ataxia. Identifiers: Orphanet 88644, MedGen C1853116, MONDO:0012549, OMIM 610743.

Allele frequency attached by ClinVar (database versions not stated): ExAC 0.00001; gnomAD 0.00001; TOPMed 0.00003; 1000 Genomes Project 30x 0.00016; 1000 Genomes Project 0.00020.
gnomAD v4.1: 1 of 1,614,182 alleles (0.000062%); highest among the groups gnomAD compares: Admixed American, 0.0017%; no homozygotes.

Submission:

Labcorp Genetics (formerly Invitae), Labcorp
Classification: Uncertain significance for Emery-Dreifuss muscular dystrophy 4, autosomal dominant; Autosomal recessive ataxia, Beauce type. Last evaluated: 2022-11-08. Review status: criteria provided, single submitter. Criteria: Invitae Variant Classification Sherloc (09022015). Collection method: clinical testing. Allele origin: germline.
Comment: In summary, the available evidence is currently insufficient to determine the role of this variant in disease. Therefore, it has been classified as a Variant of Uncertain Significance. Algorithms developed to predict the effect of missense changes on protein structure and function are either unavailable or do not agree on the potential impact of this missense change (SIFT: "Deleterious"; PolyPhen-2: "Probably Damaging"; Align-GVGD: "Class C0"). ClinVar contains an entry for this variant (Variation ID: 1062761). This missense change has been observed in individual(s) with clinical features of SYNE1-related conditions (Invitae). This variant is present in population databases (rs201193141, gnomAD 0.003%). This sequence change replaces leucine, which is neutral and non-polar, with glutamine, which is neutral and polar, at codon 8118 of the SYNE1 protein (p.Leu8118Gln).